The following is an entry in ClinVar:

NM_181486.4(TBX5):c.54C>A (p.Asp18Glu)

Gene: TBX5 (T-box transcription factor 5; minus strand). Cytogenetic location: 12q24.21.
Variant type: single nucleotide variant.
Coding change: c.54C>A on transcript NM_181486.4 (MANE Select); coding-DNA position 54, C replaced by A.
Protein change: p.Asp18Glu; replaces aspartic acid 18 with glutamic acid.
Molecular consequence: missense variant. On other transcripts: intron variant (1).
Genome position (GRCh38, 1-based): chr12:114,403,845, G>T on the plus strand (C>A on the coding strand, the complement: TBX5 is on the minus strand). VCF-style: chr12-114403845-G-T. GRCh37 (hg19) VCF-style: chr12-114841650-G-T.
Other names: c.54C>A, p.Asp18Glu (NM_000192.3); c.-3-1925C>A (NM_080717.4); short protein forms D18E.
Identifiers: ClinVar variation 569500 (VCV000569500.12), dbSNP rs1479545982, ClinGen allele CA386863602.

ClinVar aggregate classification (germline): Uncertain significance. Review status: criteria provided, multiple submitters, no conflicts (2 of 4 stars). 2 submissions from 2 submitters: Uncertain significance (2). Last evaluated 2018-03-18.

Conditions:
Holt-Oram syndrome (HOS). Also called: Ventriculo-radial syndrome; Cardiac-limb syndrome; Heart-hand syndrome, type 1; TBX5-Related Holt-Oram Syndrome. Identifiers: Orphanet 392, MedGen C0265264, MONDO:0007732, OMIM 142900.
Aortic valve disease 2 (AOVD2). Identifiers: MedGen C3542024, MONDO:0013902, OMIM 614823.

Allele frequency attached by ClinVar (database versions not stated): gnomAD exomes below 0.00001; gnomAD 0.00001; TOPMed 0.00001.
gnomAD v4.1: 9 of 1,613,882 alleles (0.00056%); highest among the groups gnomAD compares: African/African-American, 0.0027%; no homozygotes.

Submissions (2):

Labcorp Genetics (formerly Invitae), Labcorp
Classification: Uncertain significance for Aortic valve disease 2. Last evaluated: 2018-03-18. Review status: criteria provided, single submitter. Criteria: Invitae Variant Classification Sherloc (09022015). Collection method: clinical testing. Allele origin: germline.
Comment: This variant is not present in population databases (ExAC no frequency). This sequence change replaces aspartic acid with glutamic acid at codon 18 of the TBX5 protein (p.Asp18Glu). The aspartic acid residue is moderately conserved and there is a small physicochemical difference between aspartic acid and glutamic acid. This variant has not been reported in the literature in individuals with TBX5-related disease. In summary, the available evidence is currently insufficient to determine the role of this variant in disease. Therefore, it has been classified as a Variant of Uncertain Significance. Algorithms developed to predict the effect of missense changes on protein structure and function output the following: SIFT: "Tolerated"; PolyPhen-2: "Benign"; Align-GVGD: "Class C0". The glutamic acid amino acid residue is found in multiple mammalian species, suggesting that this missense change does not adversely affect protein function. These predictions have not been confirmed by published functional studies and their clinical significance is uncertain.

Illumina Laboratory Services, Illumina
Classification: Uncertain significance for Holt-Oram syndrome. Last evaluated: 2018-01-13. Review status: criteria provided, single submitter. Criteria: ICSL Variant Classification Criteria 13 December 2019. Collection method: clinical testing. Allele origin: germline.